The following is an entry in ClinVar:

NM_000088.4(COL1A1):c.1394del (p.Glu465fs)

Gene: COL1A1 (collagen type I alpha 1 chain; minus strand). Cytogenetic location: 17q21.33.
Variant type: Deletion.
Coding change: c.1394del on transcript NM_000088.4 (MANE Select); coding-DNA position 1394, one base deleted (A; older notation c.1394delA).
Protein change: p.Glu465fs; shifts the reading frame from glutamic acid 465.
Molecular consequence: frameshift variant.
Genome position (GRCh38, 1-based): chr17:50,194,788, T deleted on the plus strand (A on the coding strand, the reverse complement: COL1A1 is on the minus strand). VCF-style (leftmost placement, unchanged base first): chr17-50194787-CT-C. GRCh37 (hg19) VCF-style: chr17-48272148-CT-C.
Other names: c.1394delA (NM_000088.3); short protein forms E465fs.
Identifiers: ClinVar variation 580852 (VCV000580852.7), dbSNP rs1567760123, ClinGen allele CA891843713.
Genomic context (GRCh38, chr17:50,194,787, plus strand): 5'-GCCAGGGGGTCCGGGCAGGCCAGTGGGTCCGGGTTCACCTCGAGCTCCTCGCTTTCCTTC[CT>C]CTCCAGCAGGGCCAGGGGGTCCTTGAACACCAACAGGGCCCTGGAGAGGGCCGAGAGGAG-3'

ClinVar aggregate classification (germline): Pathogenic (1 of 4 stars; one submission).

Conditions:
Osteogenesis imperfecta type I (OI1). Also called: Lobstein disease; Osteogenesis imperfecta type 1; OI, TYPE I; OSTEOGENESIS IMPERFECTA TARDA; OSTEOGENESIS IMPERFECTA WITH BLUE SCLERAE; Lobstein's Disease. Identifiers: Orphanet 216796, Orphanet 666, MedGen C0023931, MONDO:0008146, OMIM 166200. Disease mechanism: loss of function.

Submission:

Labcorp Genetics (formerly Invitae), Labcorp
Classification: Pathogenic for Osteogenesis imperfecta type I. Last evaluated: 2018-01-28. Review status: criteria provided, single submitter. Criteria: Invitae Variant Classification Sherloc (09022015). Collection method: clinical testing. Allele origin: germline.
Comment: For these reasons, this variant has been classified as Pathogenic. Loss-of-function variants in COL1A1 are known to be pathogenic (PMID: 7942841, 9295084, 9443882). This variant has not been reported in the literature in individuals with COL1A1-related disease. This variant is not present in population databases (ExAC no frequency). This sequence change creates a premature translational stop signal (p.Glu465Glyfs*76) in the COL1A1 gene. It is expected to result in an absent or disrupted protein product.

Literature cited by the submitters: PubMed 7942841; PubMed 9295084; PubMed 9443882.